The following is an entry in ClinVar:

NM_000037.4(ANK1):c.3106dup (p.Met1036fs)

Gene: ANK1 (ankyrin 1; minus strand). Cytogenetic location: 8p11.21.
Variant type: Duplication.
Coding change: c.3106dup on transcript NM_000037.4 (MANE Select); coding-DNA position 3106, one base duplicated (A; older notation c.3106dupA).
Protein change: p.Met1036fs; shifts the reading frame from methionine 1036.
Molecular consequence: frameshift variant.
Genome position (GRCh38, 1-based): chr8:41,695,186, T duplicated on the plus strand (A on the coding strand, the reverse complement: ANK1 is on the minus strand). VCF-style (leftmost placement, unchanged base first): chr8-41695185-A-AT. GRCh37 (hg19) VCF-style: chr8-41552703-A-AT.
Other names: c.3229dup, p.Met1077fs (NM_001142446.2); c.3106dup, p.Met1036fs (NM_020475.3, NM_020476.3, NM_020477.3); short protein forms M1036fs, M1077fs.
Identifiers: ClinVar variation 2757851 (VCV002757851.3), dbSNP rs2486776386, ClinGen allele CA2697549876.

ClinVar aggregate classification (germline): Pathogenic (1 of 4 stars; one submission).

Submission:

Labcorp Genetics (formerly Invitae), Labcorp
Classification: Pathogenic. Last evaluated: 2023-09-07. Review status: criteria provided, single submitter. Criteria: Invitae Variant Classification Sherloc (09022015). Collection method: clinical testing. Allele origin: germline.
Comment: This variant is not present in population databases (gnomAD no frequency). For these reasons, this variant has been classified as Pathogenic. This variant has not been reported in the literature in individuals affected with ANK1-related conditions. This sequence change creates a premature translational stop signal (p.Met1036Asnfs*81) in the ANK1 gene. It is expected to result in an absent or disrupted protein product. Loss-of-function variants in ANK1 are known to be pathogenic (PMID: 8640229).

Literature cited by the submitters: PubMed 8640229.